The following is an entry in ClinVar:

NM_004415.4(DSP):c.1517C>T (p.Pro506Leu)

Gene: DSP (desmoplakin; plus strand). Cytogenetic location: 6p24.3.
Variant type: single nucleotide variant.
Coding change: c.1517C>T on transcript NM_004415.4 (MANE Select); coding-DNA position 1517, C replaced by T.
Protein change: p.Pro506Leu; replaces proline 506 with leucine.
Molecular consequence: missense variant.
Genome position (GRCh38, 1-based): chr6:7,569,283, C>T. VCF-style: chr6-7569283-C-T. GRCh37 (hg19) VCF-style: chr6-7569516-C-T.
Other names: c.1517C>T, p.Pro506Leu (NM_001008844.3, NM_001319034.2); short protein forms P506L.
Identifiers: ClinVar variation 228636 (VCV000228636.9), dbSNP rs876657793, ClinGen allele CA10576695.

ClinVar aggregate classification (germline): Uncertain significance. Review status: criteria provided, multiple submitters, no conflicts (2 of 4 stars). 5 submissions from 5 submitters: Uncertain significance (3). 2 of the submissions do not count toward it. Last evaluated 2026-02-22.

Conditions:
Arrhythmogenic right ventricular dysplasia 8 (ARVD8). Also called: ARRHYTHMOGENIC RIGHT VENTRICULAR DYSPLASIA, FAMILIAL, 8; ARRHYTHMOGENIC RIGHT VENTRICULAR CARDIOMYOPATHY 8; Arrhythmogenic Right Ventricular Dysplasia/Cardiomyopathy 8. Identifiers: MedGen C1843896, MONDO:0011831, OMIM 607450.

Allele frequency attached by ClinVar (database versions not stated): gnomAD exomes below 0.00001.
gnomAD v4.1: 2 of 1,614,142 alleles (0.00012%); highest among the groups gnomAD compares: South Asian, 0.0011%; no homozygotes.

Submissions (5):

Genetics and Genomic Medicine Centre, NeuroGen Healthcare, NeuroGen Healthcare
Classification: Uncertain significance for Arrhythmogenic right ventricular dysplasia 8. Last evaluated: 2026-02-22. Review status: criteria provided, single submitter. Criteria: ACMG Guidelines, 2015. Collection method: clinical testing. Allele origin: unknown. Affected: yes.

KardioGenetik, Herz- und Diabeteszentrum NRW
Classification: Uncertain significance for Arrhythmogenic right ventricular dysplasia 8. Last evaluated: 2026-01-20. Review status: criteria provided, single submitter. Criteria: ACMG Guidelines, 2015. Collection method: clinical testing. Allele origin: unknown. Affected: yes. Observed: 1 variant allele.
Comment: The pathogenicity of the variant is supported by its absence from population reference cohorts in the gnomAD database, as well as by the bioinformatic meta-prediction tool REVEL, which classifies the amino acid substitution Pro506Leu as clearly deleterious. McGurk et al. detected the variant in a patient with cardiomyopathy and classified it as a variant of uncertain clinical significance. This publication forms the basis for the listing of the variant in the Human Gene Mutation Database (HGMD) in association with dilated cardiomyopathy (DCM). In the ClinVar database, a single entry from 2015 is available, classifying the variant as of uncertain clinical significance. (PM2_supporting, PP3_moderate, PP4)

Laboratory for Molecular Medicine, Mass General Brigham Personalized Medicine
Classification: Uncertain significance. Last evaluated: 2015-04-13. Review status: criteria provided, single submitter. Criteria: LMM Criteria. Collection method: clinical testing. Allele origin: germline. Observed: 1 variant allele.
Comment: The p.Pro506Leu variant in DSP has not been previously reported in individuals w ith cardiomyopathy and was absent from large population studies. Computational p rediction tools and conservation analysis suggest that this variant may impact t he protein, though this information is not predictive enough to determine pathog enicity. In summary, the clinical significance of the p.Pro506Leu variant is unc ertain.

Clinical Genetics DNA and cytogenetics Diagnostics Lab, Erasmus MC, Erasmus Medical Center
Classification: Uncertain significance. Review status: no assertion criteria provided. Collection method: clinical testing. Allele origin: germline. Affected: yes. Study: VKGL Data-share Consensus. Not counted in ClinVar's aggregate classification.

Clinical Genetics, Academic Medical Center
Classification: Uncertain significance. Review status: no assertion criteria provided. Collection method: clinical testing. Allele origin: germline. Affected: yes. Study: VKGL Data-share Consensus. Not counted in ClinVar's aggregate classification.